The following is an entry in ClinVar:

ClinVar aggregate classification (germline): Uncertain significance (1 of 4 stars; one submission).

Conditions:
Hypertrophic cardiomyopathy. Also called: HYPERTROPHIC MYOCARDIOPATHY. Identifiers: Orphanet 217569, MedGen C0007194, MeSH D002312, MONDO:0005045, HP:0001639.

Submission:

Labcorp Genetics (formerly Invitae), Labcorp
Classification: Uncertain significance for Hypertrophic cardiomyopathy. Last evaluated: 2025-04-22. Review status: criteria provided, single submitter. Criteria: Invitae Variant Classification Sherloc (09022015). Collection method: clinical testing. Allele origin: germline.
Comment: This sequence change creates a premature translational stop signal (p.Gln1881Argfs*52) in the MYH7 gene. While this is not anticipated to result in nonsense mediated decay, it is expected to disrupt the last 55 amino acid(s) of the MYH7 protein. This variant is not present in population databases (gnomAD no frequency). This variant has not been reported in the literature in individuals affected with MYH7-related conditions. In summary, the available evidence is currently insufficient to determine the role of this variant in disease. Therefore, it has been classified as a Variant of Uncertain Significance.

NM_000257.4(MYH7):c.5642del (p.Gln1881fs)

Gene: MYH7 (myosin heavy chain 7; minus strand). Cytogenetic location: 14q11.2.
Variant type: Deletion.
Coding change: c.5642del on transcript NM_000257.4 (MANE Select); coding-DNA position 5642, one base deleted (A; older notation c.5642delA).
Protein change: p.Gln1881fs; shifts the reading frame from glutamine 1881.
Molecular consequence: frameshift variant.
Genome position (GRCh38, 1-based): chr14:23,414,020, T deleted on the plus strand (A on the coding strand, the reverse complement: MYH7 is on the minus strand). VCF-style (leftmost placement, unchanged base first): chr14-23414019-CT-C. GRCh37 (hg19) VCF-style: chr14-23883228-CT-C.
Other names: c.5642del, p.Gln1881fs (NM_001407004.1); short protein forms Q1881fs.
Identifiers: ClinVar variation 4714099 (VCV004714099.1).
Genomic context (GRCh38, chr14:23,414,019, plus strand): 5'-AGCTCTCCTATGCCTCCCCTGGGCCTAGTCCCCAGCAGGGTCACTCACCGCCTCCTCGGC[CT>C]GGCGCTTGTAGGCCTTGACCTTTAGCTGCAGCTTGTCTACCAGGTCCTGCAGCCGCAGCA-3'